The following is an entry in ClinVar:

ClinVar aggregate classification (germline): Pathogenic/Likely pathogenic. Review status: criteria provided, multiple submitters, no conflicts (2 of 4 stars). 2 submissions from 2 submitters: Pathogenic (1); Likely pathogenic (1). Last evaluated 2024-11-19.

Conditions:
PHYH-related disorder. Also called: PHYH-related condition.

Allele frequency attached by ClinVar (database versions not stated): TOPMed 0.00001; gnomAD 0.00002.
gnomAD v4.1: 4 of 1,591,240 alleles (0.00025%); highest among the groups gnomAD compares: African/African-American, 0.0054%; no homozygotes.

Submissions (2):

Labcorp Genetics (formerly Invitae), Labcorp
Classification: Pathogenic. Last evaluated: 2024-11-19. Review status: criteria provided, single submitter. Criteria: Invitae Variant Classification Sherloc (09022015). Collection method: clinical testing. Allele origin: germline.
Comment: This sequence change creates a premature translational stop signal (p.Gln45*) in the PHYH gene. It is expected to result in an absent or disrupted protein product. Loss-of-function variants in PHYH are known to be pathogenic (PMID: 9326940, 14974078). This variant is present in population databases (no rsID available, gnomAD 0.01%). This variant has not been reported in the literature in individuals affected with PHYH-related conditions. ClinVar contains an entry for this variant (Variation ID: 1379590). Algorithms developed to predict the effect of sequence changes on RNA splicing suggest that this variant may disrupt the consensus splice site. For these reasons, this variant has been classified as Pathogenic.

Blueprint Genetics
Classification: Likely pathogenic for PHYH-related disorders. Last evaluated: 2019-12-27. Review status: criteria provided, single submitter. Criteria: ACMG Guidelines, 2015. Collection method: clinical testing. Allele origin: germline. Affected: yes. Observed: 1 variant allele.

Literature cited by the submitters: PubMed 9326940 (cited by Labcorp Genetics (formerly Invitae), Labcorp); PubMed 14974078 (cited by Labcorp Genetics (formerly Invitae), Labcorp).

NM_006214.4(PHYH):c.133C>T (p.Gln45Ter)

Gene: PHYH (phytanoyl-CoA 2-hydroxylase; minus strand). Cytogenetic location: 10p13.
Variant type: single nucleotide variant.
Coding change: c.133C>T on transcript NM_006214.4 (MANE Select); coding-DNA position 133, C replaced by T.
Protein change: p.Gln45Ter; replaces glutamine 45 with a stop codon.
Molecular consequence: nonsense. On other transcripts: 5 prime UTR variant (1), intron variant (2).
Genome position (GRCh38, 1-based): chr10:13,298,188, G>A on the plus strand (C>T on the coding strand, the complement: PHYH is on the minus strand). VCF-style: chr10-13298188-G-A. GRCh37 (hg19) VCF-style: chr10-13340188-G-A.
Other names: c.-168C>T (NM_001323080.2); c.133C>T, p.Gln45Ter (NM_001323082.2, NM_001323083.2); c.-167+1232C>T (NM_001037537.2, NM_001323084.2); short protein forms Q45*.
Identifiers: ClinVar variation 1379590 (VCV001379590.7), dbSNP rs1384315216, ClinGen allele CA376038085.
Genomic context (GRCh38, chr10:13,298,188, plus strand): 5'-CCACTCAAGAAACTTTTATATACATAATATATTTCAAAATCAAAACTCAAACTACTTACT[G>A]GAATTGTTGAGGATGGAAACTGGCAGAGGAAATAGTCCCTGAAGTGGGATGAGCTACCTA-3'